The following is an entry in ClinVar:

NM_020919.4(ALS2):c.576G>A (p.Pro192=)

Gene: ALS2 (alsin Rho guanine nucleotide exchange factor ALS2; minus strand). Cytogenetic location: 2q33.1.
Variant type: single nucleotide variant.
Coding change: c.576G>A on transcript NM_020919.4 (MANE Select); coding-DNA position 576, G replaced by A.
Protein change: p.Pro192=; no amino-acid change (proline 192 retained).
Molecular consequence: synonymous variant.
Genome position (GRCh38, 1-based): chr2:201,761,418, C>T on the plus strand (G>A on the coding strand, the complement: ALS2 is on the minus strand). VCF-style: chr2-201761418-C-T. GRCh37 (hg19) VCF-style: chr2-202626141-C-T.
Other names: c.576G>A (NM_020919.3); c.576G>A, p.Pro192= (NM_001135745.2, NM_001410975.1).
Identifiers: ClinVar variation 3710826 (VCV003710826.3).

ClinVar aggregate classification (germline): Likely benign. Review status: criteria provided, multiple submitters, no conflicts (2 of 4 stars). 2 submissions from 2 submitters: Likely benign (2). Last evaluated 2026-06-23.

Conditions:
Infantile-onset ascending hereditary spastic paralysis (IAHSP). Also called: Autosomal Recessive Juvenile Amyotrophic Lateral Sclerosis; Infantile-Onset Ascending Hereditary Spastic Paralysis (IAHSP). Identifiers: Orphanet 293168, MedGen C2931441, MONDO:0011797, OMIM 607225. Disease mechanism: loss of function.
ALS2-related disorder. Also called: ALS2-related condition; ALS2-related disorders; ALS2-Related Spectrum Disorders. Identifiers: MedGen CN169291.

gnomAD v4.1: 58 of 1,607,524 alleles (0.0036%); highest among the groups gnomAD compares: Admixed American, 0.005%; no homozygotes.

Submissions (2):

PreventionGenetics, part of Exact Sciences
Classification: Likely benign for ALS2-related condition. Last evaluated: 2026-06-23. Review status: criteria provided, single submitter. Criteria: ACMG Guidelines, 2015. Collection method: clinical testing. Allele origin: germline.
Comment: This variant is classified as likely benign based on ACMG/AMP sequence variant interpretation guidelines (Richards et al. 2015 PMID: 25741868, with internal and published modifications).

Labcorp Genetics (formerly Invitae), Labcorp
Classification: Likely benign for Infantile-onset ascending hereditary spastic paralysis. Last evaluated: 2025-09-07. Review status: criteria provided, single submitter. Criteria: Invitae Variant Classification Sherloc (09022015). Collection method: clinical testing. Allele origin: germline.